The following is an entry in ClinVar:

NM_153676.4(USH1C):c.225T>C (p.Asp75=)

Gene: USH1C (USH1 protein network component harmonin; minus strand). Cytogenetic location: 11p15.1.
Variant type: single nucleotide variant.
Coding change: c.225T>C on transcript NM_153676.4 (MANE Select); coding-DNA position 225, T replaced by C.
Protein change: p.Asp75=; no amino-acid change (aspartic acid 75 retained).
Molecular consequence: synonymous variant. On other transcripts: non-coding transcript variant (1).
Genome position (GRCh38, 1-based): chr11:17,531,422, A>G on the plus strand (T>C on the coding strand, the complement: USH1C is on the minus strand). VCF-style: chr11-17531422-A-G. GRCh37 (hg19) VCF-style: chr11-17552969-A-G.
Other names: c.225T>C, p.Asp75= (NM_001297764.2, NM_005709.4).
Identifiers: ClinVar variation 47996 (VCV000047996.34), dbSNP rs111033279, ClinGen allele CA142329.
Genomic context (GRCh38, chr11:17,531,422, plus strand): 5'-CCACCCCCTGCCTCCAGCCTGGTGGCTTCCTCTGCACCTGGAGCGCCGGGGGGTCAGCTG[A>G]TCATATTCCACCTGGTGCTTCAGTGGGATCAGCGGCCGAATGGCATCAAACAGAGGCAGA-3'
Protein context (NP_710142.1, residues 65-85): LIPLKHQVEY[Asp75=]QLTPRRSRKL

ClinVar aggregate classification (germline): Benign. Review status: criteria provided, multiple submitters, no conflicts (2 of 4 stars). 8 submissions from 8 submitters: Benign (7). 1 of the submissions does not count toward it. Last evaluated 2026-02-04.

Conditions:
Usher syndrome type 1C. Also called: USHER SYNDROME, TYPE I, ACADIAN VARIETY. Identifiers: Orphanet 231169, Orphanet 886, MedGen C1848604, MONDO:0010171, OMIM 276904.

Allele frequency attached by ClinVar (database versions not stated): ESP Exome Variant Server 0.00031; TOPMed 0.00557; ExAC 0.00694; 1000 Genomes Project 30x 0.01296; 1000 Genomes Project 0.01358.
gnomAD v4.1: 5,262 of 1,613,964 alleles (0.33%); highest among the groups gnomAD compares: East Asian, 6.9%; 140 homozygotes.

Submissions (8):

Labcorp Genetics (formerly Invitae), Labcorp
Classification: Benign. Last evaluated: 2026-02-04. Review status: criteria provided, single submitter. Criteria: Invitae Variant Classification Sherloc (09022015). Collection method: clinical testing. Allele origin: germline.

ARUP Laboratories, Molecular Genetics and Genomics, ARUP Laboratories
Classification: Benign. Last evaluated: 2023-08-07. Review status: criteria provided, single submitter. Criteria: ARUP Molecular Germline Variant Investigation Process 2024. Collection method: clinical testing. Allele origin: germline.

Illumina Laboratory Services, Illumina
Classification: Benign for Usher syndrome type 1C. Last evaluated: 2018-01-13. Review status: criteria provided, single submitter. Criteria: ICSL Variant Classification Criteria 13 December 2019. Collection method: clinical testing. Allele origin: germline.
Comment: This variant was observed in the ICSL laboratory as part of a predisposition screen in an ostensibly healthy population. It had not been previously curated by ICSL or reported in the Human Gene Mutation Database (HGMD: prior to June 1st, 2018), and was therefore a candidate for classification through an automated scoring system. Utilizing variant allele frequency, disease prevalence and penetrance estimates, and inheritance mode, an automated score was calculated to assess if this variant is too frequent to cause the disease. Based on the score and internal cut-off values, a variant classified as benign is not then subjected to further curation. The score for this variant resulted in a classification of benign for this disease.

GeneDx
Classification: Benign. Last evaluated: 2016-04-28. Review status: criteria provided, single submitter. Criteria: GeneDx Variant Classification (06012015). Collection method: clinical testing. Allele origin: germline. Affected: yes.
Comment: This variant is considered likely benign or benign based on one or more of the following criteria: it is a conservative change, it occurs at a poorly conserved position in the protein, it is predicted to be benign by multiple in silico algorithms, and/or has population frequency not consistent with disease.

Eurofins Ntd Llc (ga)
Classification: Benign. Last evaluated: 2015-07-23. Review status: criteria provided, single submitter. Criteria: EGL Classification Definitions 2015. Collection method: clinical testing. Allele origin: germline. Observed: 1 variant allele, 1 heterozygote.

Laboratory for Molecular Medicine, Mass General Brigham Personalized Medicine
Classification: Benign. Last evaluated: 2010-12-23. Review status: criteria provided, single submitter. Criteria: LMM Criteria. Collection method: clinical testing. Allele origin: germline. Observed: 36 variant alleles.
Comment: Asp75Asp in exon 3 of USH1C: This variant is not expected to have clinical signi ficance because it does not alter an amino acid residue, is not located near a s plice junction and was identified in 5/120 (4.2%) of Black individuals (rs111033 279).

Breakthrough Genomics
Classification: Benign. Review status: criteria provided, single submitter. Criteria: ACMG Guidelines, 2015. Collection method: not provided. Allele origin: germline. Inheritance: Autosomal recessive inheritance. Affected: yes.

Natera, Inc.
Classification: Benign for Usher syndrome type 1C. Last evaluated: 2020-09-16. Review status: no assertion criteria provided. Collection method: clinical testing. Allele origin: germline. Not counted in ClinVar's aggregate classification.